The following is an entry in ClinVar:

ClinVar aggregate classification (germline): Conflicting classifications of pathogenicity. Review status: criteria provided, conflicting classifications (1 of 4 stars). 3 submissions from 3 submitters: Pathogenic (1); Uncertain significance (2). Last evaluated 2023-03-27.

Conditions:
Congenital myasthenic syndrome 16. Identifiers: Orphanet 590, MedGen C3280112, MONDO:0013620, OMIM 614198.
Hyperkalemic periodic paralysis. Also called: Familial hyperkalemic periodic paralysis; Gamstorp disease. Identifiers: Orphanet 682, MedGen C0238357, MONDO:0008224, OMIM 170500, HP:0007215.

Allele frequency attached by ClinVar (database versions not stated): TOPMed 0.00001; gnomAD 0.00001; gnomAD exomes 0.00001.

Submissions (3):

GeneDx
Classification: Uncertain significance. Last evaluated: 2023-03-27. Review status: criteria provided, single submitter. Criteria: GeneDx Variant Classification Process June 2021. Collection method: clinical testing. Allele origin: germline. Affected: yes.
Comment: Not observed at significant frequency in large population cohorts (gnomAD); In silico analysis supports that this missense variant has a deleterious effect on protein structure/function; Has not been previously published as pathogenic or benign to our knowledge

Labcorp Genetics (formerly Invitae), Labcorp
Classification: Uncertain significance for Hyperkalemic periodic paralysis. Last evaluated: 2022-05-20. Review status: criteria provided, single submitter. Criteria: Invitae Variant Classification Sherloc (09022015). Collection method: clinical testing. Allele origin: germline.
Comment: This variant is not present in population databases (gnomAD no frequency). In summary, the available evidence is currently insufficient to determine the role of this variant in disease. Therefore, it has been classified as a Variant of Uncertain Significance. Algorithms developed to predict the effect of missense changes on protein structure and function (SIFT, PolyPhen-2, Align-GVGD) all suggest that this variant is likely to be disruptive. ClinVar contains an entry for this variant (Variation ID: 807678). This variant has not been reported in the literature in individuals affected with SCN4A-related conditions. This sequence change replaces arginine, which is basic and polar, with cysteine, which is neutral and slightly polar, at codon 401 of the SCN4A protein (p.Arg401Cys).

Institute of Human Genetics Munich, TUM University Hospital
Classification: Pathogenic for Congenital myasthenic syndrome 16. Last evaluated: 2019-06-11. Review status: criteria provided, single submitter. Criteria: Classification criteria August 2017. Collection method: clinical testing. Allele origin: germline. Inheritance: Autosomal recessive inheritance. Affected: yes. Observed: 1 compound heterozygote.

NM_000334.4(SCN4A):c.1201C>T (p.Arg401Cys)

Gene: SCN4A (sodium voltage-gated channel alpha subunit 4; minus strand). Cytogenetic location: 17q23.3.
Variant type: single nucleotide variant.
Coding change: c.1201C>T on transcript NM_000334.4 (MANE Select); coding-DNA position 1201, C replaced by T.
Protein change: p.Arg401Cys; replaces arginine 401 with cysteine.
Molecular consequence: missense variant.
Genome position (GRCh38, 1-based): chr17:63,966,143, G>A on the plus strand (C>T on the coding strand, the complement: SCN4A is on the minus strand). VCF-style: chr17-63966143-G-A. GRCh37 (hg19) VCF-style: chr17-62043503-G-A.
Other names: short protein forms R401C.
Identifiers: ClinVar variation 807678 (VCV000807678.9), dbSNP rs1188070167, ClinGen allele CA400635976.